The following is an entry in ClinVar:

ClinVar aggregate classification (germline): Pathogenic/Likely pathogenic. Review status: criteria provided, multiple submitters, no conflicts (2 of 4 stars). 3 submissions from 3 submitters: Pathogenic (1); Likely pathogenic (1). 1 of the submissions does not count toward it. Last evaluated 2024-11-04.

Conditions:
SPAST-related disorder. Also called: SPAST-related condition.
Hereditary spastic paraplegia 4. Also called: Familial spastic paraplegia autosomal dominant 2; Spastic paraplegia 4, autosomal dominant; Spastic Paraplegia 4. Identifiers: Orphanet 100985, MedGen C1866855, MONDO:0008438, OMIM 182601.

Submissions (3):

Molecular Genetics, Royal Melbourne Hospital
Classification: Likely pathogenic for Hereditary spastic paraplegia 4. Last evaluated: 2024-11-04. Review status: criteria provided, single submitter. Criteria: ACMG Guidelines, 2015. Collection method: clinical testing. Allele origin: germline. Inheritance: Autosomal dominant inheritance. Affected: yes.
Comment: This sequence change in SPAST is predicted to replace proline with serine at codon 509, p.(Pro509Ser). The proline residue is highly conserved (100 vertebrates, Multiz Alignments), and is located in a region involved in microtubule severing (PMID: 15269182). There is a moderate physicochemical difference between proline and serine. This variant is absent from the population database gnomAD v4.1. This variant has been detected in at least two probands with hereditary spastic paraplegia and cosegregates with the disease in two families (Invitae personal communication; Royal Melbourne Hospital). Computational evidence predicts a deleterious effect for the missense substitution (REVEL = 0.94). Based on the classification scheme RMH Modified ACMG/AMP Guidelines v1.7.1, this variant is classified as LIKELY PATHOGENIC. Following criteria are met: PP3_Strong, PM2_Supporting, PP1_Moderate, PS4_Supporting.

Labcorp Genetics (formerly Invitae), Labcorp
Classification: Pathogenic for Hereditary spastic paraplegia 4. Last evaluated: 2024-10-14. Review status: criteria provided, single submitter. Criteria: Invitae Variant Classification Sherloc (09022015). Collection method: clinical testing. Allele origin: germline.
Comment: This sequence change replaces proline, which is neutral and non-polar, with serine, which is neutral and polar, at codon 509 of the SPAST protein (p.Pro509Ser). This variant is not present in population databases (gnomAD no frequency). This missense change has been observed in individual(s) with clinical features of hereditary spastic paraplegia (internal data). It has also been observed to segregate with disease in related individuals. Invitae Evidence Modeling of clinical and family history, age, sex, and reported ancestry of multiple individuals with this SPAST variant has been performed. This variant is expected to be pathogenic with a positive predictive value of at least 99%. This is a validated machine learning model that incorporates the clinical features of 3,690 individuals referred to our laboratory for SPAST testing. ClinVar contains an entry for this variant (Variation ID: 1997879). Invitae Evidence Modeling of protein sequence and biophysical properties (such as structural, functional, and spatial information, amino acid conservation, physicochemical variation, residue mobility, and thermodynamic stability) indicates that this missense variant is expected to disrupt SPAST protein function with a positive predictive value of 80%. For these reasons, this variant has been classified as Pathogenic.

PreventionGenetics, part of Exact Sciences
Classification: Uncertain significance for SPAST-related condition. Last evaluated: 2024-03-20. Review status: no assertion criteria provided. Collection method: clinical testing. Allele origin: germline. Not counted in ClinVar's aggregate classification.
Comment: The SPAST c.1525C>T variant is predicted to result in the amino acid substitution p.Pro509Ser. To our knowledge, this variant has not been reported in the literature or in a large population database, indicating this variant is rare. At this time, the clinical significance of this variant is uncertain due to the absence of conclusive functional and genetic evidence.

Literature cited by the submitters: PubMed 15269182 (cited by Molecular Genetics, Royal Melbourne Hospital).

NM_014946.4(SPAST):c.1525C>T (p.Pro509Ser)

Gene: SPAST (spastin; plus strand). Cytogenetic location: 2p22.3.
Variant type: single nucleotide variant.
Coding change: c.1525C>T on transcript NM_014946.4 (MANE Select); coding-DNA position 1525, C replaced by T.
Protein change: p.Pro509Ser; replaces proline 509 with serine.
Molecular consequence: missense variant.
Genome position (GRCh38, 1-based): chr2:32,141,935, C>T. VCF-style: chr2-32141935-C-T. GRCh37 (hg19) VCF-style: chr2-32367004-C-T.
Other names: c.1522C>T, p.Pro508Ser (NM_001363823.2); c.1426C>T, p.Pro476Ser (NM_001363875.2); c.1429C>T, p.Pro477Ser (NM_001377959.1, NM_199436.2); short protein forms P477S, P508S, P509S, P476S.
Identifiers: ClinVar variation 1997879 (VCV001997879.6), dbSNP rs1553319092, ClinGen allele CA346502953.
Genomic context (GRCh38, chr2:32,141,935, plus strand): 5'-TTCTAAAAGTGCTGGATTTTTTTTTTTAGGCGTTTCATCAAACGGGTATATGTGTCTTTA[C>T]CAAATGAGGAGGTATGTATCTGTGTTTGAATTTTTTTTGTTTTAGAGCAGAAACAAGAAC-3'
Protein context (NP_055761.2, residues 499-519): RFIKRVYVSL[Pro509Ser]NEETRLLLLK